The following is an entry in ClinVar:

ClinVar aggregate classification (germline): Pathogenic/Likely pathogenic. Review status: criteria provided, multiple submitters, no conflicts (2 of 4 stars). 2 submissions from 2 submitters: Pathogenic (1); Likely pathogenic (1). Last evaluated 2023-07-17.

Conditions:
Polycystic kidney disease, adult type (PKD1). Also called: Polycystic Kidney Disease 1, Autosomal Dominant; Polycystic kidney disease 1; Polycystic kidney disease 1, severe; POLYCYSTIC KIDNEY DISEASE 1 WITH OR WITHOUT POLYCYSTIC LIVER DISEASE; POLYCYSTIC KIDNEY DISEASE, ADULT, TYPE I; Polycystic Kidney, Autosomal Dominant. Identifiers: MedGen C3149841, MONDO:0008263, OMIM 173900.

Submissions (2):

Victorian Clinical Genetics Services, Murdoch Childrens Research Institute
Classification: Pathogenic for Polycystic kidney disease, adult type. Last evaluated: 2023-07-17. Review status: criteria provided, single submitter. Criteria: ACMG Guidelines, 2015. Collection method: clinical testing. Allele origin: germline. Inheritance: Autosomal dominant inheritance. Affected: yes.
Comment: Based on the classification scheme VCGS_Germline_v1.3.4, this variant is classified as Pathogenic. Following criteria are met: 0102 - Loss of function is a known mechanism of disease in this gene and is associated with polycystic kidney disease 1 (MIM#173900). (I) 0107 - This gene is associated with autosomal dominant disease. Polycystic kidney disease 1 (MIM#173900) is predominantly caused by monoallelic variants, with rare reports of biallelic variants causing disease (OMIM). (I) 0201 - Variant is predicted to cause nonsense-mediated decay (NMD) and loss of protein (premature termination codon is located at least 54 nucleotides upstream of the final exon-exon junction). (SP) 0251 - This variant is heterozygous. (I) 0301 - Variant is absent from gnomAD (both v2 and v3). (SP) 0701 - Other NMD predicted variants comparable to the one identified in this case have very strong previous evidence for pathogenicity (ClinVar). (SP) 0807 - This variant has no previous evidence of pathogenicity. (I) 0905 - No published segregation evidence has been identified for this variant. (I) 1007 - No published functional evidence has been identified for this variant. (I) 1208 - Inheritance information for this variant is not currently available in this individual. (I) Legend: (SP) - Supporting pathogenic, (I) - Information, (SB) - Supporting benign

Juno Genomics, Hangzhou Juno Genomics, Inc
Classification: Likely pathogenic for Polycystic kidney disease, adult type. Review status: criteria provided, single submitter. Criteria: ACMG Guidelines, 2015. Collection method: clinical testing. Allele origin: germline. Affected: yes.
Comment: Absent from controls (or at extremely low frequency if recessive) in Genome Aggregation Database, Exome Sequencing Project, 1000 Genomes Project, or Exome Aggregation Consortium.;Null variant in a gene where loss of function (LOF) is a known mechanism of disease.

NM_001009944.3(PKD1):c.11567_11568del (p.Arg3856fs)

Genes: PKD1 (polycystin 1, transient receptor potential channel interacting; minus strand), PKD1-AS1 (PKD1 antisense RNA 1; plus strand). Cytogenetic location: 16p13.3.
Variant type: Microsatellite.
Coding change: c.11567_11568del on transcript NM_001009944.3 (MANE Select); coding-DNA positions 11567 to 11568, 2 bases deleted (GC; older notation c.11567_11568delGC).
Protein change: p.Arg3856fs; shifts the reading frame from arginine 3856.
Molecular consequence: frameshift variant. On other transcripts: non-coding transcript variant (1).
Genome position (GRCh38, 1-based): chr16:2,091,567-2,091,568, GC deleted on the plus strand (GC on the coding strand, the reverse complement: PKD1 is on the minus strand); deleting any 2 consecutive bases within chr16:2,091,567-2,091,571 gives the same sequence; the c. name uses the placement nearest the transcript's 3' end. VCF-style (leftmost placement, unchanged base first): chr16-2091566-AGC-A. GRCh37 (hg19) VCF-style: chr16-2141567-AGC-A.
Other names: c.11564_11565del, p.Arg3855fs (NM_000296.4); c.11564_11565CG[1], p.Arg3856Leufs (NM_001009944.2); c.11567_11568delGC (NM_001009944.2); short protein forms R3855fs, R3856fs.
Identifiers: ClinVar variation 3254842 (VCV003254842.2), dbSNP rs2544615278.